The following is an entry in ClinVar:

NM_006231.4(POLE):c.2562G>T (p.Gly854=)

Gene: POLE (DNA polymerase epsilon, catalytic subunit; minus strand). Cytogenetic location: 12q24.33.
Variant type: single nucleotide variant.
Coding change: c.2562G>T on transcript NM_006231.4 (MANE Select); coding-DNA position 2562, G replaced by T.
Protein change: p.Gly854=; no amino-acid change (glycine 854 retained).
Molecular consequence: synonymous variant.
Genome position (GRCh38, 1-based): chr12:132,664,148, C>A on the plus strand (G>T on the coding strand, the complement: POLE is on the minus strand). VCF-style: chr12-132664148-C-A. GRCh37 (hg19) VCF-style: chr12-133240734-C-A.
Identifiers: ClinVar variation 2095795 (VCV002095795.4), dbSNP rs2135957195, ClinGen allele CA482737637.

ClinVar aggregate classification (germline): Uncertain significance (1 of 4 stars; one submission).

Submission:

Labcorp Genetics (formerly Invitae), Labcorp
Classification: Uncertain significance. Last evaluated: 2022-02-25. Review status: criteria provided, single submitter. Criteria: Invitae Variant Classification Sherloc (09022015). Collection method: clinical testing. Allele origin: germline.
Comment: In summary, the available evidence is currently insufficient to determine the role of this variant in disease. Therefore, it has been classified as a Variant of Uncertain Significance. Studies have shown that this variant results in the activation of a cryptic splice site in exon 23 (Invitae). This variant has not been reported in the literature in individuals affected with POLE-related conditions. This variant is not present in population databases (gnomAD no frequency). This sequence change affects codon 854 of the POLE mRNA. It is a 'silent' change, meaning that it does not change the encoded amino acid sequence of the POLE protein. RNA analysis indicates that this variant induces altered splicing and likely results in the loss of 1 amino acid residue(s), but is expected to preserve the integrity of the reading-frame.